The following is an entry in ClinVar:

NM_005984.5(SLC25A1):c.927G>A (p.Lys309=)

Gene: SLC25A1 (solute carrier family 25 member 1; minus strand). Cytogenetic location: 22q11.21.
Variant type: single nucleotide variant.
Coding change: c.927G>A on transcript NM_005984.5 (MANE Select); coding-DNA position 927, G replaced by A.
Protein change: p.Lys309=; no amino-acid change (lysine 309 retained).
Molecular consequence: synonymous variant. On other transcripts: non-coding transcript variant (1).
Genome position (GRCh38, 1-based): chr22:19,176,139, C>T on the plus strand (G>A on the coding strand, the complement: SLC25A1 is on the minus strand). VCF-style: chr22-19176139-C-T. GRCh37 (hg19) VCF-style: chr22-19163652-C-T.
Other names: c.948G>A, p.Lys316= (NM_001256534.2); c.618G>A, p.Lys206= (NM_001287387.2).
Identifiers: ClinVar variation 709443 (VCV000709443.14), dbSNP rs148216577, ClinGen allele CA10097240.
Genomic context (GRCh38, chr22:19,176,139, plus strand): 5'-GCAGGACACTCTGGCGGTGCCTGGGGCGGTCCCCTTGCGGCCTCTCTAGGCTTAGTCCGT[C>T]TTCCACACTTTGTTGAGCAGCTTCACCACTTCATCATAGATGACAAACACTATGGCCACA-3'
Protein context (NP_005975.1, residues 299-311): EVVKLLNKVW[Lys309=]TD

ClinVar aggregate classification (germline): Benign/Likely benign. Review status: criteria provided, multiple submitters, no conflicts (2 of 4 stars). 3 submissions from 3 submitters: Benign (1); Likely benign (2). Last evaluated 2026-06-01.

Allele frequency attached by ClinVar (database versions not stated): gnomAD exomes 0.00006 and 0.00015; gnomAD 0.00007 and 0.00009; TOPMed 0.00007; ExAC 0.00009; ESP Exome Variant Server 0.00023.
gnomAD v4.1: 117 of 1,613,744 alleles (0.0073%); highest among the groups gnomAD compares: Middle Eastern, 0.033%; 1 homozygote.

Submissions (3):

CeGaT Center for Human Genetics Tuebingen
Classification: Likely benign. Last evaluated: 2026-06-01. Review status: criteria provided, single submitter. Criteria: CeGaT Center For Human Genetics Tuebingen Variant Classification Criteria Version 2. Collection method: clinical testing. Allele origin: germline. Affected: yes. Observed: 2 variant alleles.
Comment: SLC25A1: BP4

Labcorp Genetics (formerly Invitae), Labcorp
Classification: Benign. Last evaluated: 2024-12-18. Review status: criteria provided, single submitter. Criteria: Invitae Variant Classification Sherloc (09022015). Collection method: clinical testing. Allele origin: germline.

Blueprint Genetics
Classification: Likely benign. Last evaluated: 2024-11-08. Review status: criteria provided, single submitter. Criteria: ACMG Guidelines, 2015. Collection method: clinical testing. Allele origin: germline.